The following is an entry in ClinVar:

NM_004369.4(COL6A3):c.9213C>T (p.His3071=)

Gene: COL6A3 (collagen type VI alpha 3 chain; minus strand). Cytogenetic location: 2q37.3.
Variant type: single nucleotide variant.
Coding change: c.9213C>T on transcript NM_004369.4 (MANE Select); coding-DNA position 9213, C replaced by T.
Protein change: p.His3071=; no amino-acid change (histidine 3071 retained).
Molecular consequence: synonymous variant.
Genome position (GRCh38, 1-based): chr2:237,334,642, G>A on the plus strand (C>T on the coding strand, the complement: COL6A3 is on the minus strand). VCF-style: chr2-237334642-G-A. GRCh37 (hg19) VCF-style: chr2-238243285-G-A.
Other names: p.His3071=; c.7392C>T, p.His2464= (NM_057166.5); c.8595C>T, p.His2865= (NM_057167.4).
Identifiers: ClinVar variation 95019 (VCV000095019.30), dbSNP rs2270671, ClinGen allele CA148101.

ClinVar aggregate classification (germline): Benign/Likely benign. Review status: criteria provided, multiple submitters, no conflicts (2 of 4 stars). 12 submissions from 12 submitters: Benign (8); Likely benign (1). 3 of the submissions do not count toward it. Last evaluated 2026-02-04.

Conditions:
Collagen 6-related myopathy. Identifiers: MedGen CN117976, MONDO:0100225.
Bethlem myopathy 1A. Also called: MYOPATHY, BENIGN CONGENITAL, WITH CONTRACTURES; Bethlem Muscular Dystrophy; Bethlem myopathy 1. Identifiers: Orphanet 610, MedGen CN029274, MONDO:0024530, OMIM 158810.

Allele frequency attached by ClinVar (database versions not stated): ESP Exome Variant Server 0.09995; gnomAD 0.10029 and 0.10105; 1000 Genomes Project 0.10044; TOPMed 0.10105; 1000 Genomes Project 30x 0.10212; gnomAD exomes 0.10323 and 0.10718; ExAC 0.10546.
gnomAD v4.1: 166,173 of 1,613,242 alleles (10%); highest among the groups gnomAD compares: Middle Eastern, 15%; 8,824 homozygotes.

Submissions (12):

Labcorp Genetics (formerly Invitae), Labcorp
Classification: Benign for Bethlem myopathy 1A. Last evaluated: 2026-02-04. Review status: criteria provided, single submitter. Criteria: Invitae Variant Classification Sherloc (09022015). Collection method: clinical testing. Allele origin: germline.

Blueprint Genetics
Classification: Likely benign. Last evaluated: 2024-11-26. Review status: criteria provided, single submitter. Criteria: ACMG Guidelines, 2015. Collection method: clinical testing. Allele origin: germline.

Unidad de Genómica Garrahan, Hospital de Pediatría Garrahan
Classification: Benign. Last evaluated: 2024-07-31. Review status: criteria provided, single submitter. Criteria: ACMG Guidelines, 2015. Collection method: clinical testing. Allele origin: germline. Affected: no. Observed: 24 variant alleles.
Comment: This variant is classified as Benign based on local population frequency. This variant was detected in 26% of patients studied in a panel designed for Epileptic and Developmental Encephalopathy, Progressive Myoclonus Epilepsy and Abnormal Movements and Neurodegeneration with brain iron accumulation. Number of patients: 24. Only high quality variants are reported.

Illumina Laboratory Services, Illumina
Classification: Benign for Collagen VI-related myopathy. Last evaluated: 2018-01-13. Review status: criteria provided, single submitter. Criteria: ICSL Variant Classification Criteria 13 December 2019. Collection method: clinical testing. Allele origin: germline.
Comment: This variant was observed in the ICSL laboratory as part of a predisposition screen in an ostensibly healthy population. It had not been previously curated by ICSL or reported in the Human Gene Mutation Database (HGMD: prior to June 1st, 2018), and was therefore a candidate for classification through an automated scoring system. Utilizing variant allele frequency, disease prevalence and penetrance estimates, and inheritance mode, an automated score was calculated to assess if this variant is too frequent to cause the disease. Based on the score and internal cut-off values, a variant classified as benign is not then subjected to further curation. The score for this variant resulted in a classification of benign for this disease.

Mayo Clinic Laboratories, Mayo Clinic
Classification: Benign. Last evaluated: 2017-07-21. Review status: criteria provided, single submitter. Criteria: ACMG Guidelines, 2015. Collection method: clinical testing. Allele origin: germline. Observed: 154 variant alleles.

GeneDx
Classification: Benign. Last evaluated: 2016-02-11. Review status: criteria provided, single submitter. Criteria: GeneDx Variant Classification (06012015). Collection method: clinical testing. Allele origin: germline. Affected: yes.
Comment: This variant is considered likely benign or benign based on one or more of the following criteria: it is a conservative change, it occurs at a poorly conserved position in the protein, it is predicted to be benign by multiple in silico algorithms, and/or has population frequency not consistent with disease.

Eurofins Ntd Llc (ga)
Classification: Benign. Last evaluated: 2012-07-31. Review status: criteria provided, single submitter. Criteria: EGL Classification Definitions 2015. Collection method: clinical testing. Allele origin: germline. Observed: 12 variant alleles, 11 heterozygotes, 1 homozygote.

Breakthrough Genomics
Classification: Benign. Review status: criteria provided, single submitter. Criteria: ACMG Guidelines, 2015. Collection method: not provided. Allele origin: germline. Inheritance: Autosomal recessive inheritance. Affected: yes.

PreventionGenetics, part of Exact Sciences
Classification: Benign. Review status: criteria provided, single submitter. Criteria: ACMG Guidelines, 2015. Collection method: clinical testing. Allele origin: germline.

Clinical Genetics, Academic Medical Center
Classification: Benign. Review status: no assertion criteria provided. Collection method: clinical testing. Allele origin: germline. Affected: yes. Study: VKGL Data-share Consensus. Not counted in ClinVar's aggregate classification.

Genetic Services Laboratory, University of Chicago
Classification: Likely benign for AllHighlyPenetrant. Review status: no assertion criteria provided. Collection method: clinical testing. Allele origin: germline. Not counted in ClinVar's aggregate classification.
Comment: Likely benign based on allele frequency in 1000 Genomes Project or ESP global frequency and its presence in a patient with a rare or unrelated disease phenotype. NOT Sanger confirmed.

Joint Genome Diagnostic Labs from Nijmegen and Maastricht, Radboudumc and MUMC+
Classification: Benign. Review status: no assertion criteria provided. Collection method: clinical testing. Allele origin: germline. Affected: yes. Study: VKGL Data-share Consensus. Not counted in ClinVar's aggregate classification.